The following is an entry in ClinVar:

ClinVar aggregate classification (germline): Uncertain significance (1 of 4 stars; one submission).

Conditions:
Ataxia-telangiectasia syndrome (AT). Also called: Ataxia-telangiectasia, complementation group D; LOUIS-BAR SYNDROME; ATAXIA-TELANGIECTASIA, COMPLEMENTATION GROUP A; ATAXIA-TELANGIECTASIA, FRESNO VARIANT; Ataxia telangiectasia (A-T); Cerebello-oculocutaneous telangiectasia. Identifiers: Orphanet 100, MedGen C0004135, MONDO:0008840, OMIM 208900.

Submission:

Labcorp Genetics (formerly Invitae), Labcorp
Classification: Uncertain significance for Ataxia-telangiectasia syndrome. Last evaluated: 2023-10-23. Review status: criteria provided, single submitter. Criteria: Invitae Variant Classification Sherloc (09022015). Collection method: clinical testing. Allele origin: germline.
Comment: This sequence change replaces lysine, which is basic and polar, with asparagine, which is neutral and polar, at codon 1728 of the ATM protein (p.Lys1728Asn). This variant is not present in population databases (gnomAD no frequency). This variant has not been reported in the literature in individuals affected with ATM-related conditions. An algorithm developed to predict the effect of missense changes on protein structure and function (PolyPhen-2) suggests that this variant is likely to be tolerated. In summary, the available evidence is currently insufficient to determine the role of this variant in disease. Therefore, it has been classified as a Variant of Uncertain Significance.

NM_000051.4(ATM):c.5184A>T (p.Lys1728Asn)

Gene: ATM (ATM serine/threonine kinase; plus strand). Cytogenetic location: 11q22.3.
Variant type: single nucleotide variant.
Coding change: c.5184A>T on transcript NM_000051.4 (MANE Select); coding-DNA position 5184, A replaced by T.
Protein change: p.Lys1728Asn; replaces lysine 1728 with asparagine.
Molecular consequence: missense variant.
Genome position (GRCh38, 1-based): chr11:108,301,654, A>T. VCF-style: chr11-108301654-A-T. GRCh37 (hg19) VCF-style: chr11-108172381-A-T.
Other names: c.5184A>T, p.Lys1728Asn (NM_001351834.2); short protein forms K1728N.
Identifiers: ClinVar variation 2770921 (VCV002770921.3), dbSNP rs2135911722, ClinGen allele CA382542114.